The following is an entry in ClinVar:

NM_005263.5(GFI1):c.1145A>G (p.Asn382Ser)

Genes: GFI1 (growth factor independent 1 transcriptional repressor; minus strand), LOC129930930 (ATAC-STARR-seq lymphoblastoid active region 1314; plus strand). Cytogenetic location: 1p22.1.
Variant type: single nucleotide variant.
Coding change: c.1145A>G on transcript NM_005263.5 (MANE Select); coding-DNA position 1145, A replaced by G.
Protein change: p.Asn382Ser; replaces asparagine 382 with serine.
Molecular consequence: missense variant.
Genome position (GRCh38, 1-based): chr1:92,476,153, T>C on the plus strand (A>G on the coding strand, the complement: GFI1 is on the minus strand). VCF-style: chr1-92476153-T-C. GRCh37 (hg19) VCF-style: chr1-92941710-T-C.
Other names: c.1145A>G, p.Asn382Ser (NM_001127215.3, NM_001127216.3); c.1145A>G (NM_005263.3); short protein forms N382S.
Identifiers: ClinVar variation 8739 (VCV000008739.47), dbSNP rs28936381, ClinGen allele CA119872.
Genomic context (GRCh38, chr1:92,476,153, plus strand): 5'-CCACAGAGGTCGCAGCCGAAGGGCTTGAAGCCTGTGTGTTTGCGGCTGTGGGTGATGAGG[T>C]TGGAGCTCTGGCTGAATGCCTTGCCGCACACCTGGCACTTGTGAGGCTTCTCACCTGTGG-3'
Protein context (NP_005254.2, residues 372-392): VCGKAFSQSS[Asn382Ser]LITHSRKHTG

ClinVar aggregate classification (germline): Pathogenic. Review status: criteria provided, multiple submitters, no conflicts (2 of 4 stars). 5 submissions from 5 submitters: Pathogenic (4). 1 of the submissions does not count toward it. Last evaluated 2026-08-28.

Conditions:
GFI1-related disorder. Also called: GFI1-related condition.
GFI1-related disorders.
Neutropenia, severe congenital, 2, autosomal dominant. Identifiers: Orphanet 486, MedGen C2751288, MONDO:0013139, OMIM 613107.

Submissions (5):

PreventionGenetics, part of Exact Sciences
Classification: Pathogenic for GFI1-related condition. Last evaluated: 2026-08-28. Review status: criteria provided, single submitter. Criteria: ACMG Guidelines, 2015. Collection method: clinical testing. Allele origin: germline.
Comment: The GFI1 c.1145A>G variant is predicted to result in the amino acid substitution p.Asn382Ser. This variant has been reported to segregate with disease in multiple individuals from multiple unrelated families with autosomal dominant severe congenital neutropenia (SCN; Person et al. 2003. PubMed ID: 12778173; Venugopal et al. 2020. PubMed ID: 32066420; Boutakoglou et al. 2022. PubMed ID: 36112213). This variant has also been reported de novo along with a second de novo variant (p.Lys403Arg) on the same allele (in cis) in an individual with cyclic neutropenia (Armistead et al. 2010. PubMed ID: 20560965); however, the relative contribution of each variant to the specific phenotype observed in this patient is unclear. In vitro studies have demonstrated that this variant results in a loss of transcriptional repression activity and DNA binding affinity with a dominant-negative effect, leading to over-expression of neutrophil elastase and dysregulation of granulopoiesis pathways (Person et al. 2003. PubMed ID: 12778173; Zarebski et al. 2008. PubMed ID: 18328744; Table S6, Barrera et al. 2016. PubMed ID: 27013732). This variant has not been reported in a large population database (gnomAD), indicating this variant is rare. Taken together, this variant is interpreted as pathogenic.

Labcorp Genetics (formerly Invitae), Labcorp
Classification: Pathogenic for Neutropenia, severe congenital, 2, autosomal dominant. Last evaluated: 2025-10-03. Review status: criteria provided, single submitter. Criteria: Invitae Variant Classification Sherloc (09022015). Collection method: clinical testing. Allele origin: germline.
Comment: This sequence change replaces asparagine, which is neutral and polar, with serine, which is neutral and polar, at codon 382 of the GFI1 protein (p.Asn382Ser). This variant is not present in population databases (gnomAD no frequency). This missense change has been observed in individual(s) with severe congenital neutropenia (PMID: 12778173, 32066420, 36112213). It has also been observed to segregate with disease in related individuals. ClinVar contains an entry for this variant (Variation ID: 8739). Invitae Evidence Modeling of protein sequence and biophysical properties (such as structural, functional, and spatial information, amino acid conservation, physicochemical variation, residue mobility, and thermodynamic stability) indicates that this missense variant is expected to disrupt GFI1 protein function with a positive predictive value of 80%. Experimental studies have shown that this missense change affects GFI1 function (PMID: 12778173, 18328744, 27013732). For these reasons, this variant has been classified as Pathogenic.

Blueprint Genetics
Classification: Pathogenic for GFI1-related disorders. Last evaluated: 2024-04-09. Review status: criteria provided, single submitter. Criteria: ACMG Guidelines, 2015. Collection method: clinical testing. Allele origin: germline. Affected: yes. Observed: 4 variant alleles.

CeGaT Center for Human Genetics Tuebingen
Classification: Pathogenic. Last evaluated: 2018-03-01. Review status: criteria provided, single submitter. Criteria: CeGaT Center For Human Genetics Tuebingen Variant Classification Criteria Version 2. Collection method: clinical testing. Allele origin: germline. Affected: yes. Observed: 1 variant allele.

OMIM
Classification: Pathogenic for NEUTROPENIA, SEVERE CONGENITAL, 2, AUTOSOMAL DOMINANT. Last evaluated: 2003-07-01. Review status: no assertion criteria provided. Collection method: literature only. Allele origin: germline. Not counted in ClinVar's aggregate classification.

Literature cited by the submitters: PubMed 12778173 (cited by Labcorp Genetics (formerly Invitae), Labcorp and OMIM); PubMed 32066420 (cited by Labcorp Genetics (formerly Invitae), Labcorp); PubMed 36112213 (cited by Labcorp Genetics (formerly Invitae), Labcorp); PubMed 18328744 (cited by Labcorp Genetics (formerly Invitae), Labcorp); PubMed 27013732 (cited by Labcorp Genetics (formerly Invitae), Labcorp); PubMed 20560965 (cited by OMIM).